The following is an entry in ClinVar:

ClinVar aggregate classification (germline): Likely pathogenic (1 of 4 stars; one submission).

Conditions:
Leber congenital amaurosis (LCA). Also called: Leber's amaurosis. Identifiers: Orphanet 65, MedGen C0339527, MeSH D057130, MONDO:0018998.

Submission:

Natera, Inc.
Classification: Likely pathogenic for Leber congenital amaurosis. Last evaluated: 2026-01-28. Review status: criteria provided, single submitter. Criteria: Natera Variant Classification Schema (03/2026). Collection method: clinical testing. Allele origin: germline.
Comment: The c.626_633dup variant in RPE65 is a frameshift variant predicted to shift the reading frame beginning at codon 212 and leads to a stop codon 12 codons downstream. This variant is expected to result in nonsense mediated decay, truncation, or a dysfunctional protein product. This variant is rare in the general population with a frequency below the threshold expected for the associated phenotype(s). Given the available evidence, this variant is classified as Likely Pathogenic.

NM_000329.3(RPE65):c.626_633dup (p.Leu212fs)

Gene: RPE65 (retinoid isomerohydrolase RPE65; minus strand). Cytogenetic location: 1p31.3.
Variant type: Duplication.
Coding change: c.626_633dup on transcript NM_000329.3 (MANE Select); coding-DNA positions 626 to 633, 8 bases duplicated (TCCCACCA; older notation c.626_633dupTCCCACCA).
Protein change: p.Leu212fs; shifts the reading frame from leucine 212.
Molecular consequence: frameshift variant.
Genome position (GRCh38, 1-based): chr1:68,440,863-68,440,870, TGGTGGGA duplicated on the plus strand (TCCCACCA on the coding strand, the reverse complement: RPE65 is on the minus strand); duplicating any 8 consecutive bases within chr1:68,440,863-68,440,871 gives the same sequence; the c. name uses the placement nearest the transcript's 3' end. VCF-style (leftmost placement, unchanged base first): chr1-68440862-G-GTGGTGGGA. GRCh37 (hg19) VCF-style: chr1-68906545-G-GTGGTGGGA.
Other names: c.518_525dup, p.Leu176fs (NM_001406853.1); c.350_357dup, p.Leu120fs (NM_001406856.1, NM_001406857.1); c.626_633dup, p.Leu212fs (NM_001406859.1); short protein forms L120fs, L176fs, L212fs.
Identifiers: ClinVar variation 4818176 (VCV004818176.1).